The following is an entry in ClinVar:

ClinVar aggregate classification (germline): Uncertain significance (1 of 4 stars; one submission).

Conditions:
Chédiak-Higashi syndrome (CHS). Also called: Chediak-Higashi Syndrome. Identifiers: Orphanet 167, MedGen C0007965, MONDO:0008963, OMIM 214500.

gnomAD v4.1: 49 of 1,608,880 alleles (0.003%); highest among the groups gnomAD compares: East Asian, 0.11%; no homozygotes.

Submission:

Labcorp Genetics (formerly Invitae), Labcorp
Classification: Uncertain significance for Chédiak-Higashi syndrome. Last evaluated: 2025-03-24. Review status: criteria provided, single submitter. Criteria: Invitae Variant Classification Sherloc (09022015). Collection method: clinical testing. Allele origin: germline.
Comment: This sequence change replaces aspartic acid, which is acidic and polar, with glycine, which is neutral and non-polar, at codon 2467 of the LYST protein (p.Asp2467Gly). This variant is present in population databases (rs748309102, gnomAD 0.02%). This missense change has been observed in individual(s) with neurodevelopmental abnormalities (PMID: 30315573). Invitae Evidence Modeling of protein sequence and biophysical properties (such as structural, functional, and spatial information, amino acid conservation, physicochemical variation, residue mobility, and thermodynamic stability) indicates that this missense variant is expected to disrupt LYST protein function with a positive predictive value of 80%. In summary, the available evidence is currently insufficient to determine the role of this variant in disease. Therefore, it has been classified as a Variant of Uncertain Significance.

Literature cited by the submitters: PubMed 30315573.

NM_000081.4(LYST):c.7400A>G (p.Asp2467Gly)

Gene: LYST (lysosomal trafficking regulator; minus strand). Cytogenetic location: 1q42.3.
Variant type: single nucleotide variant.
Coding change: c.7400A>G on transcript NM_000081.4 (MANE Select); coding-DNA position 7400, A replaced by G.
Protein change: p.Asp2467Gly; replaces aspartic acid 2467 with glycine.
Molecular consequence: missense variant.
Genome position (GRCh38, 1-based): chr1:235,753,104, T>C on the plus strand (A>G on the coding strand, the complement: LYST is on the minus strand). VCF-style: chr1-235753104-T-C. GRCh37 (hg19) VCF-style: chr1-235916404-T-C.
Other names: c.7400A>G, p.Asp2467Gly (NM_001301365.1); short protein forms D2467G.
Identifiers: ClinVar variation 4807305 (VCV004807305.1).